The following is an entry in ClinVar:

ClinVar aggregate classification (germline): Uncertain significance (1 of 4 stars; one submission).

Allele frequency attached by ClinVar (database versions not stated): gnomAD exomes below 0.00001.
gnomAD v4.1: 1 of 1,614,230 alleles (0.000062%); highest among the groups gnomAD compares: Non-Finnish European, 0.000085%; no homozygotes.

Submission:

CeGaT Center for Human Genetics Tuebingen
Classification: Uncertain significance. Last evaluated: 2022-07-01. Review status: criteria provided, single submitter. Criteria: CeGaT Center For Human Genetics Tuebingen Variant Classification Criteria Version 2. Collection method: clinical testing. Allele origin: germline. Affected: yes. Observed: 1 variant allele.
Comment: MATR3: PM2

NM_018834.6(MATR3):c.1816A>G (p.Ser606Gly)

Genes: MATR3 (matrin 3; plus strand), LOC126807526 (CDK7 strongly-dependent group 2 enhancer GRCh37_chr5:138657767-138658966; plus strand). Cytogenetic location: 5q31.2.
Variant type: single nucleotide variant.
Coding change: c.1816A>G on transcript NM_018834.6 (MANE Select); coding-DNA position 1816, A replaced by G.
Protein change: p.Ser606Gly; replaces serine 606 with glycine.
Molecular consequence: missense variant.
Genome position (GRCh38, 1-based): chr5:139,322,635, A>G. VCF-style: chr5-139322635-A-G. GRCh37 (hg19) VCF-style: chr5-138658324-A-G.
Other names: c.1816A>G, p.Ser606Gly (NM_001400441.1, NM_001400442.1, NM_001400443.1 and 16 more transcripts); c.802A>G, p.Ser268Gly (NM_001400462.1, NM_001400463.1, NM_001400464.1 and 5 more transcripts); c.952A>G, p.Ser318Gly (NM_001194956.2); c.955A>G, p.Ser319Gly (NM_001400459.1); c.916A>G, p.Ser306Gly (NM_001400461.1); short protein forms S268G, S306G, S318G, S319G, S606G.
Identifiers: ClinVar variation 2655728 (VCV002655728.24), dbSNP rs2546862656, ClinGen allele CA361143595.